The following is an entry in ClinVar:

NM_001364905.1(LRBA):c.499C>A (p.Arg167Ser)

Gene: LRBA (LPS responsive beige-like anchor protein; minus strand). Cytogenetic location: 4q31.3.
Variant type: single nucleotide variant.
Coding change: c.499C>A on transcript NM_001364905.1 (MANE Select); coding-DNA position 499, C replaced by A.
Protein change: p.Arg167Ser; replaces arginine 167 with serine.
Molecular consequence: missense variant.
Genome position (GRCh38, 1-based): chr4:150,928,566, G>T on the plus strand (C>A on the coding strand, the complement: LRBA is on the minus strand). VCF-style: chr4-150928566-G-T. GRCh37 (hg19) VCF-style: chr4-151849718-G-T.
Other names: c.499C>A, p.Arg167Ser (NM_001199282.3, NM_001367550.1, NM_006726.5); short protein forms R167S.
Identifiers: ClinVar variation 583400 (VCV000583400.6), dbSNP rs371936024, ClinGen allele CA3103850.

ClinVar aggregate classification (germline): Uncertain significance. Review status: criteria provided, multiple submitters, no conflicts (2 of 4 stars). 2 submissions from 2 submitters: Uncertain significance (2). Last evaluated 2022-06-10.

Conditions:
Inborn genetic diseases. Identifiers: MedGen C0950123, MeSH D030342.
Combined immunodeficiency due to LRBA deficiency. Also called: Common variable immunodeficiency 8, with autoimmunity. Identifiers: Orphanet 445018, MedGen C3553512, MONDO:0013863, OMIM 614700.

Allele frequency attached by ClinVar (database versions not stated): TOPMed 0.00001; ESP Exome Variant Server 0.00008.
gnomAD v4.1: 4 of 1,613,618 alleles (0.00025%); highest among the groups gnomAD compares: East Asian, 0.0022%; no homozygotes.

Submissions (2):

Labcorp Genetics (formerly Invitae), Labcorp
Classification: Uncertain significance for Combined immunodeficiency due to LRBA deficiency. Last evaluated: 2022-06-10. Review status: criteria provided, single submitter. Criteria: Invitae Variant Classification Sherloc (09022015). Collection method: clinical testing. Allele origin: germline.
Comment: This sequence change replaces arginine, which is basic and polar, with serine, which is neutral and polar, at codon 167 of the LRBA protein (p.Arg167Ser). This variant is present in population databases (rs371936024, gnomAD 0.0009%). This variant has not been reported in the literature in individuals affected with LRBA-related conditions. ClinVar contains an entry for this variant (Variation ID: 583400). Algorithms developed to predict the effect of missense changes on protein structure and function are either unavailable or do not agree on the potential impact of this missense change (SIFT: "Deleterious"; PolyPhen-2: "Probably Damaging"; Align-GVGD: "Class C0"). Algorithms developed to predict the effect of sequence changes on RNA splicing suggest that this variant may disrupt the consensus splice site. In summary, the available evidence is currently insufficient to determine the role of this variant in disease. Therefore, it has been classified as a Variant of Uncertain Significance.

Ambry Genetics
Classification: Uncertain significance for Inborn genetic diseases. Last evaluated: 2021-09-15. Review status: criteria provided, single submitter. Criteria: Ambry Variant Classification Scheme 2023. Collection method: clinical testing. Allele origin: germline.